The following is an entry in ClinVar:

ClinVar aggregate classification (germline): Uncertain significance (1 of 4 stars; one submission).

Conditions:
Combined immunodeficiency due to MALT1 deficiency. Also called: Immunodeficiency 12. Identifiers: Orphanet 397964, MedGen C3809583, MONDO:0014197, OMIM 615468.

Allele frequency attached by ClinVar (database versions not stated): gnomAD 0.00001; TOPMed 0.00004; gnomAD exomes below 0.00001.
gnomAD v4.1: 8 of 1,614,098 alleles (0.0005%); highest among the groups gnomAD compares: African/African-American, 0.0053%; no homozygotes.

Submission:

Labcorp Genetics (formerly Invitae), Labcorp
Classification: Uncertain significance for Combined immunodeficiency due to MALT1 deficiency. Last evaluated: 2022-01-07. Review status: criteria provided, single submitter. Criteria: Invitae Variant Classification Sherloc (09022015). Collection method: clinical testing. Allele origin: germline.
Comment: This sequence change replaces glutamine, which is neutral and polar, with arginine, which is basic and polar, at codon 754 of the MALT1 protein (p.Gln754Arg). This variant is present in population databases (rs35448733, gnomAD 0.007%). This variant has not been reported in the literature in individuals affected with MALT1-related conditions. Algorithms developed to predict the effect of missense changes on protein structure and function (SIFT, PolyPhen-2, Align-GVGD) all suggest that this variant is likely to be tolerated. In summary, the available evidence is currently insufficient to determine the role of this variant in disease. Therefore, it has been classified as a Variant of Uncertain Significance.

NM_006785.4(MALT1):c.2261A>G (p.Gln754Arg)

Gene: MALT1 (MALT1 paracaspase; plus strand). Cytogenetic location: 18q21.32.
Variant type: single nucleotide variant.
Coding change: c.2261A>G on transcript NM_006785.4 (MANE Select); coding-DNA position 2261, A replaced by G.
Protein change: p.Gln754Arg; replaces glutamine 754 with arginine.
Molecular consequence: missense variant.
Genome position (GRCh38, 1-based): chr18:58,747,628, A>G. VCF-style: chr18-58747628-A-G. GRCh37 (hg19) VCF-style: chr18-56414860-A-G.
Other names: c.2228A>G, p.Gln743Arg (NM_173844.3); short protein forms Q743R, Q754R.
Identifiers: ClinVar variation 1514064 (VCV001514064.5), dbSNP rs35448733, ClinGen allele CA300945678.